The following is an entry in ClinVar:

ClinVar aggregate classification (germline): Uncertain significance. Review status: criteria provided, multiple submitters, no conflicts (2 of 4 stars). 3 submissions from 3 submitters: Uncertain significance (3). Last evaluated 2025-08-09.

Conditions:
Inborn genetic diseases. Identifiers: MedGen C0950123, MeSH D030342.

Allele frequency attached by ClinVar (database versions not stated): gnomAD exomes 0.00003 and 0.00009; ExAC 0.00018; ESP Exome Variant Server 0.00031; gnomAD 0.00032 and 0.00034; TOPMed 0.00036; 1000 Genomes Project 0.00060; 1000 Genomes Project 30x 0.00109.
gnomAD v4.1: 100 of 1,614,178 alleles (0.0062%); highest among the groups gnomAD compares: African/African-American, 0.1%; no homozygotes.

Submissions (3):

Ambry Genetics
Classification: Uncertain significance for Inborn genetic diseases. Last evaluated: 2025-08-09. Review status: criteria provided, single submitter. Criteria: Ambry Variant Classification Scheme 2023. Collection method: clinical testing. Allele origin: germline.

Labcorp Genetics (formerly Invitae), Labcorp
Classification: Uncertain significance. Last evaluated: 2024-10-24. Review status: criteria provided, single submitter. Criteria: Invitae Variant Classification Sherloc (09022015). Collection method: clinical testing. Allele origin: germline.
Comment: This sequence change replaces arginine, which is basic and polar, with histidine, which is basic and polar, at codon 468 of the ZNF335 protein (p.Arg468His). This variant is present in population databases (rs200688965, gnomAD 0.1%). This variant has not been reported in the literature in individuals affected with ZNF335-related conditions. ClinVar contains an entry for this variant (Variation ID: 1418220). Invitae Evidence Modeling of protein sequence and biophysical properties (such as structural, functional, and spatial information, amino acid conservation, physicochemical variation, residue mobility, and thermodynamic stability) indicates that this missense variant is not expected to disrupt ZNF335 protein function with a negative predictive value of 80%. In summary, the available evidence is currently insufficient to determine the role of this variant in disease. Therefore, it has been classified as a Variant of Uncertain Significance.

Blueprint Genetics
Classification: Uncertain significance. Last evaluated: 2024-09-09. Review status: criteria provided, single submitter. Criteria: ACMG Guidelines, 2015. Collection method: clinical testing. Allele origin: germline.

NM_022095.4(ZNF335):c.1403G>A (p.Arg468His)

Gene: ZNF335 (zinc finger protein 335; minus strand). Cytogenetic location: 20q13.12.
Variant type: single nucleotide variant.
Coding change: c.1403G>A on transcript NM_022095.4 (MANE Select); coding-DNA position 1403, G replaced by A.
Protein change: p.Arg468His; replaces arginine 468 with histidine.
Molecular consequence: missense variant.
Genome position (GRCh38, 1-based): chr20:45,963,603, C>T on the plus strand (G>A on the coding strand, the complement: ZNF335 is on the minus strand). VCF-style: chr20-45963603-C-T. GRCh37 (hg19) VCF-style: chr20-44592242-C-T.
Other names: c.1403G>A (NM_022095.3); short protein forms R468H.
Identifiers: ClinVar variation 1418220 (VCV001418220.9), dbSNP rs200688965, ClinGen allele CA9885738.